The following is an entry in ClinVar:

NC_000019.9:g.(?_44030333)_(44031420_?)del

Gene: ETHE1 (ETHE1 persulfide dioxygenase; minus strand). Cytogenetic location: 19q13.31.
Variant type: Deletion.
Identifiers: ClinVar variation 3248452 (VCV003248452.1).

ClinVar aggregate classification (germline): Pathogenic (1 of 4 stars; one submission).

Conditions:
Ethylmalonic encephalopathy (EE). Also called: Syndrome of encephalopathy, petechiae, and ethylmalonic aciduria; EPEMA syndrome; Encephalopathy, petechiae, and ethylmalonic aciduria. Identifiers: Orphanet 51188, MedGen C1865349, MONDO:0011229, OMIM 602473. Disease mechanism: loss of function.

Submission:

Labcorp Genetics (formerly Invitae), Labcorp
Classification: Pathogenic for Ethylmalonic encephalopathy. Last evaluated: 2023-08-20. Review status: criteria provided, single submitter. Criteria: Invitae Variant Classification Sherloc (09022015). Collection method: clinical testing. Allele origin: unknown.
Comment: This variant is a gross deletion of the genomic region encompassing exon(s) 1-3 of the ETHE1 gene, which includes the initiator codon. This deletion extends beyond the assayed region for this gene and therefore may encompass additional genes. It is expected to result in an absent or disrupted protein product. Loss-of-function variants in ETHE1 are known to be pathogenic (PMID: 14732903, 19136963). This variant has not been reported in the literature in individuals affected with ETHE1-related conditions. For these reasons, this variant has been classified as Pathogenic.

Literature cited by the submitters: PubMed 14732903; PubMed 19136963.